The following is an entry in ClinVar:

ClinVar aggregate classification (germline): Likely pathogenic (1 of 4 stars; one submission).

Conditions:
Neuronal ceroid lipofuscinosis 7 (CLN7). Also called: MFSD8-Related Neuronal Ceroid-Lipofuscinosis. Identifiers: Orphanet 168491, Orphanet 228366, MedGen C1838571, MONDO:0012588, OMIM 610951.

Submission:

Neuberg Centre For Genomic Medicine, NCGM
Classification: Likely pathogenic for Neuronal ceroid lipofuscinosis 7. Review status: criteria provided, single submitter. Criteria: ACMG Guidelines, 2015. Collection method: clinical testing. Allele origin: germline. Inheritance: Autosomal recessive inheritance. Affected: yes. Observed: 1 homozygote.
Comment: The frameshift c.249_250dup (p.Ser84IlefsTer7) variant in MFSD8 gene has not been reported previously as a pathogenic variant nor as a benign variant, to our knowledge. This variant is novel (not in any individuals) in gnomAD Exomes and 1000 Genomes. This variant causes a frameshift starting with codon Serine 84, changes this amino acid to Isoleucine residue, and creates a premature Stop codon at position 7 of the new reading frame, denoted p.Ser84IlefsTer7. This variant is predicted to cause loss of normal protein function through protein truncation. Loss of function variants have been previously reported to be disease causing. For these reasons, this variant has been classified as Likely Pathogenic.

NM_001371596.2(MFSD8):c.249_250dup (p.Ser84fs)

Gene: MFSD8 (major facilitator superfamily domain containing 8; minus strand). Cytogenetic location: 4q28.2.
Variant type: Microsatellite.
Coding change: c.249_250dup on transcript NM_001371596.2 (MANE Select); coding-DNA positions 249 to 250, 2 bases duplicated (TA; older notation c.249_250dupTA).
Protein change: p.Ser84fs; shifts the reading frame from serine 84.
Molecular consequence: frameshift variant.
Genome position (GRCh38, 1-based): chr4:127,943,941-127,943,942, TA duplicated on the plus strand (TA on the coding strand, the reverse complement: MFSD8 is on the minus strand); duplicating any 2 consecutive bases within chr4:127,943,941-127,943,945 gives the same sequence; the c. name uses the placement nearest the transcript's 3' end. VCF-style (leftmost placement, unchanged base first): chr4-127943940-C-CTA. GRCh37 (hg19) VCF-style: chr4-128865095-C-CTA.
Other names: c.249_250dup, p.Ser84fs (NM_001363520.3, NM_001363521.3, NM_001371591.2 and 5 more transcripts); c.114_115dup, p.Ser39fs (NM_001371590.2, NM_001371595.1, NM_001410765.1); short protein forms S84fs, S39fs.
Identifiers: ClinVar variation 3024088 (VCV003024088.1), dbSNP rs2546167400, ClinGen allele CA2672044775.